The following is an entry in ClinVar:

NM_006941.4(SOX10):c.44_62del (p.Val15fs)

Genes: POLR2F (RNA polymerase II, I and III subunit F; plus strand), SOX10 (SRY-box transcription factor 10; minus strand). Cytogenetic location: 22q13.1.
Variant type: Deletion.
Coding change: c.44_62del on transcript NM_006941.4 (MANE Select); coding-DNA positions 44 to 62, 19 bases deleted (TGGGCTCGGAGGAGCCCCG).
Protein change: p.Val15fs; shifts the reading frame from valine 15.
Molecular consequence: frameshift variant. On other transcripts: intron variant (3).
Genome position (GRCh38, 1-based): chr22:37,983,723-37,983,741, CGGGGCTCCTCCGAGCCCA deleted on the plus strand (TGGGCTCGGAGGAGCCCCG on the coding strand, the reverse complement: SOX10 is on the minus strand); deleting any 19 consecutive bases within chr22:37,983,723-37,983,749 gives the same sequence; the c. name uses the placement nearest the transcript's 3' end. VCF-style (leftmost placement, unchanged base first): chr22-37983722-GCGGGGCTCCTCCGAGCCCA-G. GRCh37 (hg19) VCF-style: chr22-38379729-GCGGGGCTCCTCCGAGCCCA-G.
Other names: c.36_54del19, p.Val15Alafs (NM_006941.3); c.*38+11421_*38+11439del (NM_001363825.1); c.294-2423_294-2405del (NM_001301130.2); c.293+16561_293+16579del (NM_001301131.2); c.44_62delTGGGCTCGGAGGAGCCCCG (NM_006941.4); short protein forms V15fs.
Identifiers: ClinVar variation 488044 (VCV000488044.7), dbSNP rs1555939564, ClinGen allele CA658799549.

ClinVar aggregate classification (germline): Pathogenic/Likely pathogenic. Review status: criteria provided, multiple submitters, no conflicts (2 of 4 stars). 3 submissions from 3 submitters: Pathogenic (2); Likely pathogenic (1). Last evaluated 2026-10-15.

Conditions:
Waardenburg syndrome type 2A (WS2A). Also called: WAARDENBURG SYNDROME WITHOUT DYSTOPIA CANTHORUM. Identifiers: Orphanet 3440, MedGen C1860339, MONDO:0008671, OMIM 193510.
Waardenburg syndrome type 4C (WS4C). Also called: WAARDENBURG SYNDROME WITH HIRSCHSPRUNG DISEASE, TYPE 4C. Identifiers: Orphanet 897, MedGen C2750452, MONDO:0013202, OMIM 613266.

Submissions (3):

GeneDx
Classification: Pathogenic. Last evaluated: 2026-10-15. Review status: criteria provided, single submitter. Criteria: GeneDx Variant Classification Process June 2021. Collection method: clinical testing. Allele origin: germline.
Comment: Frameshift variant predicted to result in protein truncation or nonsense mediated decay in a gene for which loss-of-function is a known mechanism of disease; Not observed at significant frequency in large population cohorts (gnomAD); This variant is associated with the following publications: (PMID: 27759048, 40702859, 34599368, 29407415)

Laboratory of Human Genetics, Universidade de São Paulo
Classification: Likely pathogenic for Waardenburg syndrome type 2A. Last evaluated: 2017-03-01. Review status: criteria provided, single submitter. Criteria: ACMG Guidelines, 2015. Collection method: research. Allele origin: unknown. Inheritance: Autosomal dominant inheritance. Affected: yes.

Laboratory of Molecular, Cellular and Translation Genetics in Otolaryngology/ Lim32-hcfmusp, University of Sao Paulo School of Medicine Clinics Hospital
Classification: Pathogenic for Waardenburg syndrome type 4C. Review status: criteria provided, single submitter. Criteria: ClinGen HL ACMG Specifications v1. Collection method: research. Allele origin: germline. Inheritance: Autosomal dominant inheritance. Affected: yes. Observed: 1 variant allele, 1 heterozygote.

Literature cited by the submitters: PubMed 29407415 (cited by Laboratory of Human Genetics, Universidade de São Paulo); PubMed 34599368 (cited by Laboratory of Molecular, Cellular and Translation Genetics in Otolaryngology/ Lim32-hcfmusp, University of Sao Paulo School of Medicine Clinics Hospital).